The following is an entry in ClinVar:

NM_000260.4(MYO7A):c.1005_1012delinsTGCCAACAGCCCTTGCTGCCTCCCCTGGCTGTGCCCC (p.Arg336fs)

Gene: MYO7A (myosin VIIA; plus strand). Cytogenetic location: 11q13.5.
Variant type: Indel.
Coding change: c.1005_1012delinsTGCCAACAGCCCTTGCTGCCTCCCCTGGCTGTGCCCC on transcript NM_000260.4 (MANE Select); coding-DNA positions 1005 to 1012, the reference bases replaced by an inserted sequence.
Protein change: p.Arg336fs; shifts the reading frame from arginine 336.
Molecular consequence: frameshift variant.
Genome position (GRCh38, 1-based): chr11:77,159,448-77,159,455, 8 bases replaced. GRCh37 (hg19): chr11:76,870,494-76,870,501.
Other names: c.1005_1012delinsTGCCAACAGCCCTTGCTGCCTCCCCTGGCTGTGCCCC, p.Arg336fs (NM_001127180.2); c.972_979delinsTGCCAACAGCCCTTGCTGCCTCCCCTGGCTGTGCCCC, p.Arg325fs (NM_001369365.1); short protein forms R325fs, R336fs.
Identifiers: ClinVar variation 4818009 (VCV004818009.1).

ClinVar aggregate classification (germline): Likely pathogenic (1 of 4 stars; one submission).

Conditions:
Usher syndrome type 1B (USH1B). Also called: Usher syndrome type IB. Identifiers: MedGen C1848638, MONDO:0700087.

Submission:

Natera, Inc.
Classification: Likely pathogenic for Usher syndrome type 1B. Last evaluated: 2024-08-24. Review status: criteria provided, single submitter. Criteria: Natera Variant Classification Schema (03/2026). Collection method: clinical testing. Allele origin: germline.
Comment: The c.1005_1012delinsTGCCAACAGCCCTTGCTGCCTCCCCTGGCTGTGCCCC variant in MYO7A is a frameshift variant predicted to shift the reading frame beginning at codon 336 and leads to a stop codon 36 codons downstream. This variant is expected to result in nonsense mediated decay, truncation, or a dysfunctional protein product. This variant is rare in the general population with a frequency below the threshold expected for the associated phenotype(s). Given the available evidence, this variant is classified as Likely Pathogenic.